The following is an entry in ClinVar:

ClinVar aggregate classification (germline): Uncertain significance (1 of 4 stars; one submission).

Conditions:
PURA-related severe neonatal hypotonia-seizures-encephalopathy syndrome (NEDRIHF). Also called: PURA-Related Neurodevelopmental Disorders; NEURODEVELOPMENTAL DISORDER WITH NEONATAL RESPIRATORY INSUFFICIENCY, HYPOTONIA, AND FEEDING DIFFICULTIES. Identifiers: Orphanet 438213, Orphanet 438216, MedGen C4015357, MONDO:1060108, OMIM 616158, MONDO:0018580.

gnomAD v4.1: 2 of 1,611,262 alleles (0.00012%); highest among the groups gnomAD compares: Non-Finnish European, 0.00017%; no homozygotes.

Submission:

Labcorp Genetics (formerly Invitae), Labcorp
Classification: Uncertain significance for PURA-related severe neonatal hypotonia-seizures-encephalopathy syndrome. Last evaluated: 2025-12-21. Review status: criteria provided, single submitter. Criteria: Invitae Variant Classification Sherloc (09022015). Collection method: clinical testing. Allele origin: germline.
Comment: This sequence change replaces valine, which is neutral and non-polar, with alanine, which is neutral and non-polar, at codon 108 of the PURA protein (p.Val108Ala). This variant is not present in population databases (gnomAD no frequency). This variant has not been reported in the literature in individuals affected with PURA-related conditions. Invitae Evidence Modeling of protein sequence and biophysical properties (such as structural, functional, and spatial information, amino acid conservation, physicochemical variation, residue mobility, and thermodynamic stability) indicates that this missense variant is not expected to disrupt PURA protein function with a negative predictive value of 95%. In summary, the available evidence is currently insufficient to determine the role of this variant in disease. Therefore, it has been classified as a Variant of Uncertain Significance.

NM_005859.5(PURA):c.323T>C (p.Val108Ala)

Gene: PURA (purine rich element binding protein A; plus strand). Cytogenetic location: 5q31.3.
Variant type: single nucleotide variant.
Coding change: c.323T>C on transcript NM_005859.5 (MANE Select); coding-DNA position 323, T replaced by C.
Protein change: p.Val108Ala; replaces valine 108 with alanine.
Molecular consequence: missense variant.
Genome position (GRCh38, 1-based): chr5:140,114,504, T>C. VCF-style: chr5-140114504-T-C. GRCh37 (hg19) VCF-style: chr5-139494089-T-C.
Other names: short protein forms V108A.
Identifiers: ClinVar variation 4752345 (VCV004752345.1).